The following is an entry in ClinVar:

NM_021815.5(SLC5A7):c.1590T>C (p.Ile530=)

Gene: SLC5A7 (solute carrier family 5 member 7; plus strand). Cytogenetic location: 2q12.3.
Variant type: single nucleotide variant.
Coding change: c.1590T>C on transcript NM_021815.5 (MANE Select); coding-DNA position 1590, T replaced by C.
Protein change: p.Ile530=; no amino-acid change (isoleucine 530 retained).
Molecular consequence: synonymous variant.
Genome position (GRCh38, 1-based): chr2:108,010,708, T>C. VCF-style: chr2-108010708-T-C. GRCh37 (hg19) VCF-style: chr2-108627164-T-C.
Other names: c.849T>C, p.Ile283= (NM_001305007.3); c.1590T>C, p.Ile530= (NM_001305005.3); c.1275T>C, p.Ile425= (NM_001305006.3).
Identifiers: ClinVar variation 3257604 (VCV003257604.17).
Genomic context (GRCh38, chr2:108,010,708, plus strand): 5'-ATTAGATGTATTTGATGCTGTTGTTGCAAGACACAGTGAAGAAAACATGGATAAGACAAT[T>C]CTTGTCAAAAATGAAAATATTAAATTAGATGAACTTGCACTTGTGAAGCCACGACAGAGC-3'
Protein context (NP_068587.1, residues 520-540): RHSEENMDKT[Ile530=]LVKNENIKLD

ClinVar aggregate classification (germline): Likely benign (1 of 4 stars; one submission).

Submission:

CeGaT Center for Human Genetics Tuebingen
Classification: Likely benign. Last evaluated: 2024-07-01. Review status: criteria provided, single submitter. Criteria: CeGaT Center For Human Genetics Tuebingen Variant Classification Criteria Version 2. Collection method: clinical testing. Allele origin: germline. Affected: yes. Observed: 1 variant allele.
Comment: SLC5A7: PM2:Supporting, BP4, BP7